The following is an entry in ClinVar:

ClinVar aggregate classification (germline): Uncertain significance. Review status: criteria provided, multiple submitters, no conflicts (2 of 4 stars). 12 submissions from 12 submitters: Uncertain significance (10). 2 of the submissions do not count toward it. Last evaluated 2026-04-13.

Conditions:
BBS1-related disorder. Also called: BBS1-related condition.
Bardet-Biedl syndrome 1 (BBS1). Identifiers: MedGen C2936862, MONDO:0008854, OMIM 209900. Disease mechanism: loss of function.
Bardet-Biedl syndrome (BBS). Identifiers: Orphanet 110, MedGen C0752166, MONDO:0015229.

Allele frequency attached by ClinVar (database versions not stated): gnomAD exomes 0.00002; TOPMed 0.00003; ExAC 0.00001.
gnomAD v4.1: 42 of 1,614,050 alleles (0.0026%); highest among the groups gnomAD compares: East Asian, 0.02%; no homozygotes.

Submissions (12):

PreventionGenetics, part of Exact Sciences
Classification: Uncertain significance for BBS1-related condition. Last evaluated: 2026-04-13. Review status: criteria provided, single submitter. Criteria: ACMG Guidelines, 2015. Collection method: clinical testing. Allele origin: germline.
Comment: The BBS1 c.1139G>A variant is predicted to result in the amino acid substitution p.Arg380Gln. This variant has been reported in the homozygous state along with a homozygous TMEM138 variant in two family members with Joubert syndrome (Suzuki et al. 2016. PubMed ID: 27434533, Figure S2). This variant is reported in 0.022% of alleles in individuals of East Asian descent in gnomAD. At this time, the clinical significance of this variant is uncertain due to the absence of conclusive functional and genetic evidence.

Daryl Scott Lab, Baylor College of Medicine
Classification: Uncertain significance for Bardet-Biedl syndrome 1. Last evaluated: 2024-01-01. Review status: criteria provided, single submitter. Criteria: ACMG Guidelines, 2015. Collection method: clinical testing. Allele origin: paternal. Observed: 1 heterozygote.
Comment: PP3

GeneDx
Classification: Uncertain significance. Last evaluated: 2023-10-10. Review status: criteria provided, single submitter. Criteria: GeneDx Variant Classification Process June 2021. Collection method: clinical testing. Allele origin: germline. Affected: yes.
Comment: In silico analysis supports that this missense variant does not alter protein structure/function; This variant is associated with the following publications: (PMID: 27434533)

Labcorp Genetics (formerly Invitae), Labcorp
Classification: Uncertain significance for Bardet-Biedl syndrome. Last evaluated: 2022-10-17. Review status: criteria provided, single submitter. Criteria: Invitae Variant Classification Sherloc (09022015). Collection method: clinical testing. Allele origin: germline.
Comment: This sequence change replaces arginine, which is basic and polar, with glutamine, which is neutral and polar, at codon 380 of the BBS1 protein (p.Arg380Gln). This variant is present in population databases (rs758139447, gnomAD 0.02%). This missense change has been observed in individual(s) with BBS1-related conditions (PMID: 27434533). ClinVar contains an entry for this variant (Variation ID: 216740). Advanced modeling of protein sequence and biophysical properties (such as structural, functional, and spatial information, amino acid conservation, physicochemical variation, residue mobility, and thermodynamic stability) performed at Invitae indicates that this missense variant is not expected to disrupt BBS1 protein function. In summary, the available evidence is currently insufficient to determine the role of this variant in disease. Therefore, it has been classified as a Variant of Uncertain Significance.

CeGaT Center for Human Genetics Tuebingen
Classification: Uncertain significance. Last evaluated: 2022-09-01. Review status: criteria provided, single submitter. Criteria: CeGaT Center For Human Genetics Tuebingen Variant Classification Criteria Version 2. Collection method: clinical testing. Allele origin: germline. Affected: yes. Observed: 1 variant allele.
Comment: BBS1: PM2:Supporting

Women's Health and Genetics/Laboratory Corporation of America, LabCorp
Classification: Uncertain significance. Last evaluated: 2022-04-05. Review status: criteria provided, single submitter. Criteria: LabCorp Variant Classification Summary - May 2015. Collection method: clinical testing. Allele origin: germline.
Comment: Variant summary: BBS1 c.1139G>A (p.Arg380Gln) results in a conservative amino acid change in the encoded protein sequence. Four of five in-silico tools predict a damaging effect of the variant on protein function. The variant allele was found at a frequency of 2e-05 in 251472 control chromosomes. The available data on variant occurrences in the general population are insufficient to allow any conclusion about variant significance. c.1139G>A has been reported in the literature in one individual affected with Joubert syndrome without co-segregation evidence. This report does not provide unequivocal conclusions about association of the variant with Bardet-Biedl Syndrome. To our knowledge, no experimental evidence demonstrating an impact on protein function has been reported. Four clinical diagnostic laboratories have submitted clinical-significance assessments for this variant to ClinVar after 2014 without evidence for independent evaluation. All laboratories classified the variant as uncertain significance. Based on the evidence outlined above, the variant was classified as uncertain significance.

Fulgent Genetics
Classification: Uncertain significance for Bardet-Biedl syndrome 1. Last evaluated: 2021-12-30. Review status: criteria provided, single submitter. Criteria: ACMG Guidelines, 2015. Collection method: clinical testing. Allele origin: unknown.

Blueprint Genetics
Classification: Uncertain significance. Last evaluated: 2021-10-01. Review status: criteria provided, single submitter. Criteria: ACMG Guidelines, 2015. Collection method: clinical testing. Allele origin: germline.

Baylor Genetics
Classification: Uncertain significance for Bardet-Biedl syndrome 1. Last evaluated: 2019-07-30. Review status: criteria provided, single submitter. Criteria: ACMG Guidelines, 2015. Collection method: clinical testing. Allele origin: unknown. Affected: yes.
Comment: This variant was determined to be of uncertain significance according to ACMG Guidelines, 2015 [PMID:25741868].

Breakthrough Genomics
Classification: Uncertain significance. Review status: criteria provided, single submitter. Criteria: ACMG Guidelines, 2015. Collection method: not provided. Allele origin: germline. Inheritance: Autosomal recessive inheritance. Affected: yes.

Natera, Inc.
Classification: Uncertain significance for Bardet-Biedl syndrome type 1. Last evaluated: 2020-01-31. Review status: no assertion criteria provided. Collection method: clinical testing. Allele origin: germline. Not counted in ClinVar's aggregate classification.

Counsyl
Classification: Uncertain significance for Bardet-Biedl syndrome 1. Last evaluated: 2017-10-02. Review status: no assertion criteria provided. Collection method: clinical testing. Allele origin: unknown. Not counted in ClinVar's aggregate classification.

Literature cited by the submitters: PubMed 27434533 (cited by 3 submitters).

NM_024649.5(BBS1):c.1139G>A (p.Arg380Gln)

Genes: BBS1 (Bardet-Biedl syndrome 1; plus strand), ZDHHC24 (zDHHC palmitoyltransferase 24; minus strand). Cytogenetic location: 11q13.2.
Variant type: single nucleotide variant.
Coding change: c.1139G>A on transcript NM_024649.5 (MANE Select); coding-DNA position 1139, G replaced by A.
Protein change: p.Arg380Gln; replaces arginine 380 with glutamine.
Molecular consequence: missense variant. On other transcripts: intron variant (1).
Genome position (GRCh38, 1-based): chr11:66,526,151, G>A. VCF-style: chr11-66526151-G-A. GRCh37 (hg19) VCF-style: chr11-66293622-G-A.
Other names: c.*21+785C>T (NM_001348571.2); short protein forms R380Q.
Identifiers: ClinVar variation 216740 (VCV000216740.48), dbSNP rs758139447, ClinGen allele CA336252.